The following is an entry in ClinVar:

ClinVar aggregate classification (germline): Uncertain significance. Review status: criteria provided, multiple submitters, no conflicts (2 of 4 stars). 3 submissions from 3 submitters: Uncertain significance (3). Last evaluated 2024-11-25.

Conditions:
Inborn genetic diseases. Identifiers: MedGen C0950123, MeSH D030342.
Klippel-Feil syndrome 1, autosomal dominant (KFS1). Also called: CERVICAL VERTEBRAL FUSION, AUTOSOMAL DOMINANT. Identifiers: Orphanet 2345, MedGen C1861689, MONDO:0007306, OMIM 118100.
Isolated microphthalmia 4. Identifiers: Orphanet 2542, MedGen C2751307, MONDO:0013130, OMIM 613094.
Leber congenital amaurosis 17 (LCA17). Identifiers: Orphanet 65, MedGen C3715164, MONDO:0014145, OMIM 615360.
Microphthalmia, isolated, with coloboma 6 (MCOPCB6). Also called: Microphthalmia with coloboma 6, digenic; Microphthalmia with coloboma 6; MICROPHTHALMIA/COLOBOMA 6. Identifiers: Orphanet 98938, MedGen C3150968, MONDO:0013376, OMIM 613703.

Allele frequency attached by ClinVar (database versions not stated): gnomAD exomes below 0.00001 and 0.00001; gnomAD 0.00001; TOPMed 0.00001.
gnomAD v4.1: 5 of 1,510,022 alleles (0.00033%); highest among the groups gnomAD compares: East Asian, 0.013%; no homozygotes.

Submissions (3):

Labcorp Genetics (formerly Invitae), Labcorp
Classification: Uncertain significance for Isolated microphthalmia 4; Leber congenital amaurosis 17; Klippel-Feil syndrome 1, autosomal dominant; Microphthalmia, isolated, with coloboma 6. Last evaluated: 2024-11-25. Review status: criteria provided, single submitter. Criteria: Invitae Variant Classification Sherloc (09022015). Collection method: clinical testing. Allele origin: germline.
Comment: This sequence change replaces glutamic acid, which is acidic and polar, with glycine, which is neutral and non-polar, at codon 239 of the GDF6 protein (p.Glu239Gly). This variant is present in population databases (no rsID available, gnomAD 0.01%). This variant has not been reported in the literature in individuals affected with GDF6-related conditions. ClinVar contains an entry for this variant (Variation ID: 913679). An algorithm developed to predict the effect of missense changes on protein structure and function outputs the following: PolyPhen-2: "Benign". The glycine amino acid residue is found in multiple mammalian species, which suggests that this missense change does not adversely affect protein function. In summary, the available evidence is currently insufficient to determine the role of this variant in disease. Therefore, it has been classified as a Variant of Uncertain Significance.

Ambry Genetics
Classification: Uncertain significance for Inborn genetic diseases. Last evaluated: 2023-12-22. Review status: criteria provided, single submitter. Criteria: Ambry Variant Classification Scheme 2023. Collection method: clinical testing. Allele origin: germline.

Illumina Laboratory Services, Illumina
Classification: Uncertain significance for Klippel-Feil syndrome 1, autosomal dominant. Last evaluated: 2018-01-13. Review status: criteria provided, single submitter. Criteria: ICSL Variant Classification Criteria 13 December 2019. Collection method: clinical testing. Allele origin: germline.

NM_001001557.4(GDF6):c.716A>G (p.Glu239Gly)

Gene: GDF6 (growth differentiation factor 6; minus strand). Cytogenetic location: 8q22.1.
Variant type: single nucleotide variant.
Coding change: c.716A>G on transcript NM_001001557.4 (MANE Select); coding-DNA position 716, A replaced by G.
Protein change: p.Glu239Gly; replaces glutamic acid 239 with glycine.
Molecular consequence: missense variant.
Genome position (GRCh38, 1-based): chr8:96,145,215, T>C on the plus strand (A>G on the coding strand, the complement: GDF6 is on the minus strand). VCF-style: chr8-96145215-T-C. GRCh37 (hg19) VCF-style: chr8-97157443-T-C.
Other names: short protein forms E239G.
Identifiers: ClinVar variation 913679 (VCV000913679.7), dbSNP rs1050890994, ClinGen allele CA181485043.